The following is an entry in ClinVar:

ClinVar aggregate classification (germline): Uncertain significance (1 of 4 stars; one submission).

Conditions:
Familial hemophagocytic lymphohistiocytosis 3 (FHL3). Also called: UNC13D-Related Familial Hemophagocytic Lymphohistiocytosis (UNC13D-fHLH). Identifiers: Orphanet 540, MedGen C1837174, MONDO:0012146, OMIM 608898.

Submission:

3billion
Classification: Uncertain significance for Familial hemophagocytic lymphohistiocytosis 3. Last evaluated: 2023-11-21. Review status: criteria provided, single submitter. Criteria: ACMG Guidelines, 2015. Collection method: clinical testing. Allele origin: germline. Affected: yes.
Comment: The variant is observed at an extremely low frequency in the gnomAD v2.1.1 dataset (total allele frequency: <0.001%). Predicted Consequence/Location: Intron variant In silico tools predict the variant to alter splicing and produce an abnormal transcript [SpliceAI: 0.89 (>=0.2, moderate evidence for spliceogenicity)]. Therefore, this variant is classified as VUS according to the recommendation of ACMG/AMP guideline.

NM_199242.3(UNC13D):c.1055+5G>A

Gene: UNC13D (unc-13 homolog D; minus strand). Cytogenetic location: 17q25.1.
Variant type: single nucleotide variant.
Coding change: c.1055+5G>A on transcript NM_199242.3 (MANE Select); 5 bases into the intron after coding-DNA position 1055, G replaced by A.
Molecular consequence: intron variant.
Genome position (GRCh38, 1-based): chr17:75,839,834, C>T on the plus strand (G>A on the coding strand, the complement: UNC13D is on the minus strand). VCF-style: chr17-75839834-C-T. GRCh37 (hg19) VCF-style: chr17-73835915-C-T.
Identifiers: ClinVar variation 3775350 (VCV003775350.1).